The following is an entry in ClinVar:

ClinVar aggregate classification (germline): Uncertain significance (1 of 4 stars; one submission).

Conditions:
Dyskeratosis congenita, autosomal recessive 6 (DKCB6). Identifiers: MedGen C4225356, MONDO:0014600, OMIM 616353.
Pulmonary fibrosis and/or bone marrow failure, Telomere-related, 4. Also called: PULMONARY FIBROSIS AND/OR BONE MARROW FAILURE SYNDROME, TELOMERE-RELATED, 4. Identifiers: Orphanet 2032, MedGen C4225347, MONDO:0014612, OMIM 616371.

Allele frequency attached by ClinVar (database versions not stated): TOPMed below 0.00001; gnomAD exomes 0.00001; ExAC 0.00002.
gnomAD v4.1: 9 of 1,564,158 alleles (0.00058%); highest among the groups gnomAD compares: East Asian, 0.0023%; no homozygotes.

Submission:

Labcorp Genetics (formerly Invitae), Labcorp
Classification: Uncertain significance for Dyskeratosis congenita, autosomal recessive 6; Pulmonary fibrosis and/or bone marrow failure, Telomere-related, 4. Last evaluated: 2022-07-06. Review status: criteria provided, single submitter. Criteria: Invitae Variant Classification Sherloc (09022015). Collection method: clinical testing. Allele origin: germline.
Comment: Algorithms developed to predict the effect of missense changes on protein structure and function (SIFT, PolyPhen-2, Align-GVGD) all suggest that this variant is likely to be disruptive. In summary, the available evidence is currently insufficient to determine the role of this variant in disease. Therefore, it has been classified as a Variant of Uncertain Significance. This variant has not been reported in the literature in individuals affected with PARN-related conditions. This sequence change replaces tyrosine, which is neutral and polar, with cysteine, which is neutral and slightly polar, at codon 221 of the PARN protein (p.Tyr221Cys). The frequency data for this variant in the population databases is considered unreliable, as metrics indicate poor data quality at this position in the gnomAD database.

NM_002582.4(PARN):c.662A>G (p.Tyr221Cys)

Gene: PARN (poly(A)-specific ribonuclease; minus strand). Cytogenetic location: 16p13.12.
Variant type: single nucleotide variant.
Coding change: c.662A>G on transcript NM_002582.4 (MANE Select); coding-DNA position 662, A replaced by G.
Protein change: p.Tyr221Cys; replaces tyrosine 221 with cysteine.
Molecular consequence: missense variant.
Genome position (GRCh38, 1-based): chr16:14,606,524, T>C on the plus strand (A>G on the coding strand, the complement: PARN is on the minus strand). VCF-style: chr16-14606524-T-C. GRCh37 (hg19) VCF-style: chr16-14700381-T-C.
Other names: c.479A>G, p.Tyr160Cys (NM_001134477.3); c.524A>G, p.Tyr175Cys (NM_001242992.2); short protein forms Y160C, Y221C, Y175C.
Identifiers: ClinVar variation 2176843 (VCV002176843.4), dbSNP rs778046671, ClinGen allele CA7912350.